The following is an entry in ClinVar:

NM_021978.4(ST14):c.1365dup (p.Gln456fs)

Gene: ST14 (ST14 transmembrane serine protease matriptase; plus strand). Cytogenetic location: 11q24.3.
Variant type: Duplication.
Coding change: c.1365dup on transcript NM_021978.4 (MANE Select); coding-DNA position 1365, one base duplicated (G; older notation c.1365dupG).
Protein change: p.Gln456fs; shifts the reading frame from glutamine 456.
Molecular consequence: frameshift variant.
Genome position (GRCh38, 1-based): chr11:130,197,851, G duplicated; the last of 4 consecutive G bases (chr11:130,197,848-130,197,851); duplicating any one gives the same sequence. VCF-style (leftmost placement, unchanged base first): chr11-130197847-C-CG. GRCh37 (hg19) VCF-style: chr11-130067742-C-CG.
Other names: short protein forms Q456fs.
Identifiers: ClinVar variation 818079 (VCV000818079.1), dbSNP rs1591892666, ClinGen allele CA915948392.

ClinVar aggregate classification (germline): Likely pathogenic (1 of 4 stars; one submission).

Submission:

GeneDx
Classification: Likely pathogenic. Last evaluated: 2019-09-30. Review status: criteria provided, single submitter. Criteria: GeneDx Variant Classification (06012015). Collection method: clinical testing. Allele origin: germline. Affected: yes.
Comment: Frameshift variant predicted to result in protein truncation or nonsense mediated decay in a gene for which loss-of-function is a known mechanism of disease; several other loss-of-function variants have been previously reported downstream of this variant; Not observed in large population cohorts (Lek et al., 2016); Has not been previously published as pathogenic or benign to our knowledge